The following is an entry in ClinVar:

NM_000760.4(CSF3R):c.1458G>A (p.Thr486=)

Gene: CSF3R (colony stimulating factor 3 receptor; minus strand). Cytogenetic location: 1p34.3.
Variant type: single nucleotide variant.
Coding change: c.1458G>A on transcript NM_000760.4 (MANE Select); coding-DNA position 1458, G replaced by A.
Protein change: p.Thr486=; no amino-acid change (threonine 486 retained).
Molecular consequence: synonymous variant.
Genome position (GRCh38, 1-based): chr1:36,469,668, C>T on the plus strand (G>A on the coding strand, the complement: CSF3R is on the minus strand). VCF-style: chr1-36469668-C-T. GRCh37 (hg19) VCF-style: chr1-36935269-C-T.
Other names: c.1458G>A, p.Thr486= (LRG_144t1, NM_156039.3, NM_172313.3).
Identifiers: ClinVar variation 434836 (VCV000434836.19), dbSNP rs138289951, ClinGen allele CA769188.

ClinVar aggregate classification (germline): Benign/Likely benign. Review status: criteria provided, multiple submitters, no conflicts (2 of 4 stars). 5 submissions from 5 submitters: Benign (1); Likely benign (4). Last evaluated 2026-08-01.

Conditions:
Autosomal recessive severe congenital neutropenia due to CSF3R deficiency. Also called: Neutropenia, severe congenital, 7, autosomal recessive. Identifiers: Orphanet 420702, MedGen C4310764, MONDO:0014865, OMIM 617014.

Allele frequency attached by ClinVar (database versions not stated): gnomAD exomes 0.00019 and 0.00045; ExAC 0.00042; gnomAD 0.00145 and 0.00150; TOPMed 0.00150; ESP Exome Variant Server 0.00161; 1000 Genomes Project 30x 0.00187; 1000 Genomes Project 0.00200.
gnomAD v4.1: 517 of 1,614,148 alleles (0.032%); highest among the groups gnomAD compares: African/African-American, 0.44%; no homozygotes.

Submissions (5):

CeGaT Center for Human Genetics Tuebingen
Classification: Likely benign. Last evaluated: 2026-08-01. Review status: criteria provided, single submitter. Criteria: CeGaT Center For Human Genetics Tuebingen Variant Classification Criteria Version 2. Collection method: clinical testing. Allele origin: germline. Affected: yes. Observed: 1 variant allele.
Comment: CSF3R: BP4, BP7

Women's Health and Genetics/Laboratory Corporation of America, LabCorp
Classification: Likely benign. Last evaluated: 2026-01-23. Review status: criteria provided, single submitter. Criteria: LabCorp Variant Classification Summary - May 2015. Collection method: clinical testing. Allele origin: germline.

Labcorp Genetics (formerly Invitae), Labcorp
Classification: Benign for Autosomal recessive severe congenital neutropenia due to CSF3R deficiency. Last evaluated: 2026-01-08. Review status: criteria provided, single submitter. Criteria: Invitae Variant Classification Sherloc (09022015). Collection method: clinical testing. Allele origin: germline.

Blueprint Genetics
Classification: Likely benign. Last evaluated: 2024-07-15. Review status: criteria provided, single submitter. Criteria: ACMG Guidelines, 2015. Collection method: clinical testing. Allele origin: germline.

Genetic Services Laboratory, University of Chicago
Classification: Likely benign. Last evaluated: 2017-01-19. Review status: criteria provided, single submitter. Criteria: ACMG Guidelines, 2015. Collection method: clinical testing. Allele origin: germline. Affected: no.

Literature cited by the submitters: PubMed 23896413 (cited by Women's Health and Genetics/Laboratory Corporation of America, LabCorp); PubMed 28302714 (cited by Women's Health and Genetics/Laboratory Corporation of America, LabCorp); PubMed 24627528 (cited by Women's Health and Genetics/Laboratory Corporation of America, LabCorp); PubMed 23656643 (cited by Women's Health and Genetics/Laboratory Corporation of America, LabCorp); PubMed 23604229 (cited by Women's Health and Genetics/Laboratory Corporation of America, LabCorp); PubMed 27069254 (cited by Women's Health and Genetics/Laboratory Corporation of America, LabCorp).